The following is an entry in ClinVar:

NM_006526.3(ZNF217):c.2886G>A (p.Pro962=)

Gene: ZNF217 (zinc finger protein 217; minus strand). Cytogenetic location: 20q13.2.
Variant type: single nucleotide variant.
Coding change: c.2886G>A on transcript NM_006526.3 (MANE Select); coding-DNA position 2886, G replaced by A.
Protein change: p.Pro962=; no amino-acid change (proline 962 retained).
Molecular consequence: synonymous variant.
Genome position (GRCh38, 1-based): chr20:53,575,878, C>T on the plus strand (G>A on the coding strand, the complement: ZNF217 is on the minus strand). VCF-style: chr20-53575878-C-T. GRCh37 (hg19) VCF-style: chr20-52192417-C-T.
Other names: c.2886G>A, p.Pro962= (NM_001385034.1).
Identifiers: ClinVar variation 2652417 (VCV002652417.24), dbSNP rs45439395, ClinGen allele CA9914390.
Genomic context (GRCh38, chr20:53,575,878, plus strand): 5'-ATTTGGAGAATCGACCTCGCTGGAGCTCAGGAACCTTGGTTTGGGAGGCAGCGCCTGCGA[C>T]GGATACACACAGTCCTGCGGTAACAGTGATGTGATGCCTCTGACCATATGGTACTTGGGA-3'
Protein context (NP_006517.1, residues 952-972): TSLLPQDCVY[Pro962=]SQALPPKPRF

ClinVar aggregate classification (germline): Likely benign (1 of 4 stars; one submission).

Allele frequency attached by ClinVar (database versions not stated): 1000 Genomes Project 0.00220; 1000 Genomes Project 30x 0.00234; ExAC 0.00374; gnomAD 0.00424; TOPMed 0.00435; ESP Exome Variant Server 0.00500; gnomAD exomes 0.00675.
gnomAD v4.1: 10,410 of 1,614,204 alleles (0.64%); highest among the groups gnomAD compares: Non-Finnish European, 0.79%; 48 homozygotes.

Submission:

CeGaT Center for Human Genetics Tuebingen
Classification: Likely benign. Last evaluated: 2022-09-01. Review status: criteria provided, single submitter. Criteria: CeGaT Center For Human Genetics Tuebingen Variant Classification Criteria Version 2. Collection method: clinical testing. Allele origin: germline. Affected: yes. Observed: 1 variant allele.
Comment: ZNF217: BP4, BP7